The following is an entry in ClinVar:

NM_031407.7(HUWE1):c.1654C>T (p.Pro552Ser)

Gene: HUWE1 (HECT, UBA and WWE domain containing E3 ubiquitin protein ligase 1; minus strand). Cytogenetic location: Xp11.22.
Variant type: single nucleotide variant.
Coding change: c.1654C>T on transcript NM_031407.7 (MANE Select); coding-DNA position 1654, C replaced by T.
Protein change: p.Pro552Ser; replaces proline 552 with serine.
Molecular consequence: missense variant.
Genome position (GRCh38, 1-based): chrX:53,624,613, G>A on the plus strand (C>T on the coding strand, the complement: HUWE1 is on the minus strand). VCF-style: chrX-53624613-G-A. GRCh37 (hg19) VCF-style: chrX-53651574-G-A.
Other names: short protein forms P552S.
Identifiers: ClinVar variation 3361719 (VCV003361719.1).

ClinVar aggregate classification (germline): Uncertain significance (1 of 4 stars; one submission).

Submission:

GeneDx
Classification: Uncertain significance. Last evaluated: 2023-08-03. Review status: criteria provided, single submitter. Criteria: GeneDx Variant Classification Process June 2021. Collection method: clinical testing. Allele origin: germline. Affected: yes.
Comment: Not observed at significant frequency in large population cohorts (gnomAD); In silico analysis supports that this missense variant has a deleterious effect on protein structure/function; Has not been previously published as pathogenic or benign to our knowledge